The following is an entry in ClinVar:

ClinVar aggregate classification (germline): Uncertain significance (1 of 4 stars; one submission).

Conditions:
Hereditary sensory neuropathy-deafness-dementia syndrome. Also called: Hereditary sensory neuropathy type IE; HSN IE; NEUROPATHY, HEREDITARY SENSORY, WITH HEARING LOSS AND DEMENTIA; Hereditary Sensory and Autonomic Neuropathy Type 1E (HSAN1E). Identifiers: Orphanet 456318, MedGen C3279885, MONDO:0013584, OMIM 614116.

Submission:

Labcorp Genetics (formerly Invitae), Labcorp
Classification: Uncertain significance for Hereditary sensory neuropathy-deafness-dementia syndrome. Last evaluated: 2024-07-08. Review status: criteria provided, single submitter. Criteria: Invitae Variant Classification Sherloc (09022015). Collection method: clinical testing. Allele origin: germline.
Comment: This sequence change replaces methionine, which is neutral and non-polar, with arginine, which is basic and polar, at codon 518 of the DNMT1 protein (p.Met518Arg). This variant is not present in population databases (gnomAD no frequency). This variant has not been reported in the literature in individuals affected with DNMT1-related conditions. Advanced modeling of protein sequence and biophysical properties (such as structural, functional, and spatial information, amino acid conservation, physicochemical variation, residue mobility, and thermodynamic stability) performed at Invitae indicates that this missense variant is not expected to disrupt DNMT1 protein function with a negative predictive value of 80%. In summary, the available evidence is currently insufficient to determine the role of this variant in disease. Therefore, it has been classified as a Variant of Uncertain Significance.

NM_001130823.3(DNMT1):c.1553T>G (p.Met518Arg)

Gene: DNMT1 (DNA methyltransferase 1; minus strand). Cytogenetic location: 19p13.2.
Variant type: single nucleotide variant.
Coding change: c.1553T>G on transcript NM_001130823.3 (MANE Select); coding-DNA position 1553, T replaced by G.
Protein change: p.Met518Arg; replaces methionine 518 with arginine.
Molecular consequence: missense variant.
Genome position (GRCh38, 1-based): chr19:10,154,996, A>C on the plus strand (T>G on the coding strand, the complement: DNMT1 is on the minus strand). VCF-style: chr19-10154996-A-C. GRCh37 (hg19) VCF-style: chr19-10265672-A-C.
Other names: c.1505T>G, p.Met502Arg (NM_001318730.2, NM_001379.4); c.1190T>G, p.Met397Arg (NM_001318731.2); short protein forms M397R, M502R, M518R.
Identifiers: ClinVar variation 3659017 (VCV003659017.2).